The following is an entry in ClinVar:

ClinVar aggregate classification (germline): Uncertain significance (1 of 4 stars; one submission).

Submission:

Labcorp Genetics (formerly Invitae), Labcorp
Classification: Uncertain significance. Last evaluated: 2025-02-01. Review status: criteria provided, single submitter. Criteria: Invitae Variant Classification Sherloc (09022015). Collection method: clinical testing. Allele origin: germline.
Comment: This sequence change replaces asparagine, which is neutral and polar, with threonine, which is neutral and polar, at codon 160 of the FLNB protein (p.Asn160Thr). This variant is not present in population databases (gnomAD no frequency). This missense change has been observed in individual(s) with Larsen syndrome (PMID: 16648377). ClinVar contains an entry for this variant (Variation ID: 1047584). Invitae Evidence Modeling of protein sequence and biophysical properties (such as structural, functional, and spatial information, amino acid conservation, physicochemical variation, residue mobility, and thermodynamic stability) indicates that this missense variant is not expected to disrupt FLNB protein function with a negative predictive value of 95%. In summary, the available evidence is currently insufficient to determine the role of this variant in disease. Therefore, it has been classified as a Variant of Uncertain Significance.

Literature cited by the submitters: PubMed 16648377.

NM_001457.4(FLNB):c.479A>C (p.Asn160Thr)

Gene: FLNB (filamin B; plus strand). Cytogenetic location: 3p14.3.
Variant type: single nucleotide variant.
Coding change: c.479A>C on transcript NM_001457.4 (MANE Select); coding-DNA position 479, A replaced by C.
Protein change: p.Asn160Thr; replaces asparagine 160 with threonine.
Molecular consequence: missense variant.
Genome position (GRCh38, 1-based): chr3:58,077,232, A>C. VCF-style: chr3-58077232-A-C. GRCh37 (hg19) VCF-style: chr3-58062959-A-C.
Other names: c.479A>C, p.Asn160Thr (NM_001164317.2, NM_001164318.2, NM_001164319.2); short protein forms N160T.
Identifiers: ClinVar variation 1047584 (VCV001047584.5), dbSNP rs2097202915, ClinGen allele CA353333515.
Genomic context (GRCh38, chr3:58,077,232, plus strand): 5'-CGCCAAAGCAGAGGCTGCTGGGGTGGATTCAGAACAAGATCCCCTACTTGCCCATCACCA[A>C]CTTTAACCAGAACTGGCAAGACGGCAAAGCCCTGGGAGCCCTGGTAGACAGCTGTGCTCC-3'
Protein context (NP_001448.2, residues 150-170): QNKIPYLPIT[Asn160Thr]FNQNWQDGKA